The following is an entry in ClinVar:

NM_000257.4(MYH7):c.921del (p.Tyr308fs)

Gene: MYH7 (myosin heavy chain 7; minus strand). Cytogenetic location: 14q11.2.
Variant type: Deletion.
Coding change: c.921del on transcript NM_000257.4 (MANE Select); coding-DNA position 921, one base deleted (C; older notation c.921delC).
Protein change: p.Tyr308fs; shifts the reading frame from tyrosine 308.
Molecular consequence: frameshift variant.
Genome position (GRCh38, 1-based): chr14:23,430,638, G deleted on the plus strand (C on the coding strand, the reverse complement: MYH7 is on the minus strand); the first of 4 consecutive G bases (chr14:23,430,638-23,430,641); deleting any one gives the same sequence. VCF-style (leftmost placement, unchanged base first): chr14-23430637-AG-A. GRCh37 (hg19) VCF-style: chr14-23899846-AG-A.
Other names: short protein forms Y308fs.
Identifiers: ClinVar variation 1215955 (VCV001215955.9), dbSNP rs2138679364, ClinGen allele CA645596430.

ClinVar aggregate classification (germline): Uncertain significance. Review status: criteria provided, multiple submitters, no conflicts (2 of 4 stars). 2 submissions from 2 submitters: Uncertain significance (2). Last evaluated 2023-06-04.

Conditions:
Hypertrophic cardiomyopathy. Also called: HYPERTROPHIC MYOCARDIOPATHY. Identifiers: Orphanet 217569, MedGen C0007194, MeSH D002312, MONDO:0005045, HP:0001639.

Submissions (2):

Labcorp Genetics (formerly Invitae), Labcorp
Classification: Uncertain significance for Hypertrophic cardiomyopathy. Last evaluated: 2023-06-04. Review status: criteria provided, single submitter. Criteria: Invitae Variant Classification Sherloc (09022015). Collection method: clinical testing. Allele origin: germline.
Comment: In summary, the available evidence is currently insufficient to determine the role of this variant in disease. Therefore, it has been classified as a Variant of Uncertain Significance. ClinVar contains an entry for this variant (Variation ID: 1215955). This variant has not been reported in the literature in individuals affected with MYH7-related conditions. This variant is not present in population databases (gnomAD no frequency). This sequence change creates a premature translational stop signal (p.Tyr308Thrfs*45) in the MYH7 gene. It is expected to result in an absent or disrupted protein product. However, the current clinical and genetic evidence is not sufficient to establish whether loss-of-function variants in MYH7 cause disease.

GeneDx
Classification: Uncertain significance. Last evaluated: 2019-08-28. Review status: criteria provided, single submitter. Criteria: GeneDx Variant Classification Process June 2021. Collection method: clinical testing. Allele origin: germline. Affected: yes.
Comment: Not observed in large population cohorts (Lek et al., 2016); Has not been previously published as pathogenic or benign to our knowledge